The following is an entry in ClinVar:

NM_001130438.3(SPTAN1):c.7253T>C (p.Phe2418Ser)

Gene: SPTAN1 (spectrin alpha, non-erythrocytic 1; plus strand). Cytogenetic location: 9q34.11.
Variant type: single nucleotide variant.
Coding change: c.7253T>C on transcript NM_001130438.3 (MANE Select); coding-DNA position 7253, T replaced by C.
Protein change: p.Phe2418Ser; replaces phenylalanine 2418 with serine.
Molecular consequence: missense variant.
Genome position (GRCh38, 1-based): chr9:128,632,900, T>C. VCF-style: chr9-128632900-T-C. GRCh37 (hg19) VCF-style: chr9-131395179-T-C.
Other names: c.7178T>C, p.Phe2393Ser (NM_001195532.2); c.7316T>C, p.Phe2439Ser (NM_001363759.2); c.7193T>C, p.Phe2398Ser (NM_001363765.2, NM_001375314.2); c.7340T>C, p.Phe2447Ser (NM_001375310.1); c.7253T>C, p.Phe2418Ser (NM_001375311.2); c.7289T>C, p.Phe2430Ser (NM_001375312.2); c.7235T>C, p.Phe2412Ser (NM_001375313.1); c.7352T>C, p.Phe2451Ser (NM_001375318.1); and 1 more; short protein forms F2393S, F2398S, F2412S, F2413S, F2418S, F2430S, F2439S, F2447S.
Identifiers: ClinVar variation 3383827 (VCV003383827.2).

ClinVar aggregate classification (germline): Uncertain significance. Review status: criteria provided, multiple submitters, no conflicts (2 of 4 stars). 2 submissions from 2 submitters: Uncertain significance (2). Last evaluated 2025-10-23.

Conditions:
Early-infantile DEE. Also called: Ohtahara syndrome; Early infantile epileptic encephalopathy with suppression bursts; Early infantile epileptic encephalopathy. Identifiers: Orphanet 1934, MedGen C0393706, MONDO:0800491.

Submissions (2):

Labcorp Genetics (formerly Invitae), Labcorp
Classification: Uncertain significance for Early-infantile DEE. Last evaluated: 2025-10-23. Review status: criteria provided, single submitter. Criteria: Invitae Variant Classification Sherloc (09022015). Collection method: clinical testing. Allele origin: germline.
Comment: This sequence change replaces phenylalanine, which is neutral and non-polar, with serine, which is neutral and polar, at codon 2418 of the SPTAN1 protein (p.Phe2418Ser). This variant is not present in population databases (gnomAD no frequency). This variant has not been reported in the literature in individuals affected with SPTAN1-related conditions. ClinVar contains an entry for this variant (Variation ID: 3383827). Invitae Evidence Modeling of protein sequence and biophysical properties (such as structural, functional, and spatial information, amino acid conservation, physicochemical variation, residue mobility, and thermodynamic stability) has been performed for this missense variant. However, the output from this modeling did not meet the statistical confidence thresholds required to predict the impact of this variant on SPTAN1 protein function. In summary, the available evidence is currently insufficient to determine the role of this variant in disease. Therefore, it has been classified as a Variant of Uncertain Significance.

GeneDx
Classification: Uncertain significance. Last evaluated: 2024-06-02. Review status: criteria provided, single submitter. Criteria: GeneDx Variant Classification Process June 2021. Collection method: clinical testing. Allele origin: germline. Affected: yes.
Comment: Not observed at significant frequency in large population cohorts (gnomAD); In silico analysis supports that this missense variant has a deleterious effect on protein structure/function; Has not been previously published as pathogenic or benign to our knowledge